The following is an entry in ClinVar:

ClinVar aggregate classification (germline): Uncertain significance (1 of 4 stars; one submission).

Allele frequency attached by ClinVar (database versions not stated): ExAC 0.00002; gnomAD exomes 0.00004.
gnomAD v4.1: 57 of 1,613,884 alleles (0.0035%); highest among the groups gnomAD compares: East Asian, 0.02%; 1 homozygote.

Submission:

Labcorp Genetics (formerly Invitae), Labcorp
Classification: Uncertain significance. Last evaluated: 2024-11-16. Review status: criteria provided, single submitter. Criteria: Invitae Variant Classification Sherloc (09022015). Collection method: clinical testing. Allele origin: germline.
Comment: This sequence change replaces arginine, which is basic and polar, with histidine, which is basic and polar, at codon 5088 of the HMCN1 protein (p.Arg5088His). This variant is present in population databases (rs756555900, gnomAD 0.006%). This variant has not been reported in the literature in individuals affected with HMCN1-related conditions. ClinVar contains an entry for this variant (Variation ID: 1988737). An algorithm developed to predict the effect of missense changes on protein structure and function (PolyPhen-2) suggests that this variant is likely to be disruptive. In summary, the available evidence is currently insufficient to determine the role of this variant in disease. Therefore, it has been classified as a Variant of Uncertain Significance.

NM_031935.3(HMCN1):c.15263G>A (p.Arg5088His)

Gene: HMCN1 (hemicentin 1; plus strand). Cytogenetic location: 1q31.1.
Variant type: single nucleotide variant.
Coding change: c.15263G>A on transcript NM_031935.3 (MANE Select); coding-DNA position 15263, G replaced by A.
Protein change: p.Arg5088His; replaces arginine 5088 with histidine.
Molecular consequence: missense variant.
Genome position (GRCh38, 1-based): chr1:186,165,117, G>A. VCF-style: chr1-186165117-G-A. GRCh37 (hg19) VCF-style: chr1-186134249-G-A.
Other names: short protein forms R5088H.
Identifiers: ClinVar variation 1988737 (VCV001988737.4), dbSNP rs756555900, ClinGen allele CA1295197.
Genomic context (GRCh38, chr1:186,165,117, plus strand): 5'-CCAGGGGCAACTATTCCAATAAGCCAGTTAACTTTGCTTTCCTCTCTGTGGTAGGAGATC[G>A]CAGTAATCAGTGCCCCTCCGGGTTTACCTTAGACTCAGTTGGACCTTTTTGTGCTGGTAA-3'
Protein context (NP_114141.2, residues 5078-5098): KIHASISKGD[Arg5088His]SNQCPSGFTL